The following is an entry in ClinVar:

NM_000094.4(COL7A1):c.683-1G>A

Gene: COL7A1 (collagen type VII alpha 1 chain; minus strand). Cytogenetic location: 3p21.31.
Variant type: single nucleotide variant.
Coding change: c.683-1G>A on transcript NM_000094.4 (MANE Select); the canonical splice acceptor site of the intron before coding-DNA position 683, G replaced by A.
Molecular consequence: splice acceptor variant.
Genome position (GRCh38, 1-based): chr3:48,592,939, C>T on the plus strand (G>A on the coding strand, the complement: COL7A1 is on the minus strand). VCF-style: chr3-48592939-C-T. GRCh37 (hg19) VCF-style: chr3-48630372-C-T.
Identifiers: ClinVar variation 1068073 (VCV001068073.5), dbSNP rs2045812473, ClinGen allele CA352742861.

ClinVar aggregate classification (germline): Likely pathogenic (1 of 4 stars; one submission).

Allele frequency attached by ClinVar (database versions not stated): gnomAD 0.00001.
gnomAD v4.1: 1 of 1,613,586 alleles (0.000062%); highest among the groups gnomAD compares: African/African-American, 0.0013%; no homozygotes.

Submission:

Labcorp Genetics (formerly Invitae), Labcorp
Classification: Likely pathogenic. Last evaluated: 2020-07-14. Review status: criteria provided, single submitter. Criteria: Invitae Variant Classification Sherloc (09022015). Collection method: clinical testing. Allele origin: germline.
Comment: Donor and acceptor splice site variants typically lead to a loss of protein function (PMID: 16199547), and loss-of-function variants in COL7A1 are known to be pathogenic (PMID: 16971478). This variant is not present in population databases (ExAC no frequency). This variant has not been reported in the literature in individuals with COL7A1-related conditions. This sequence change affects an acceptor splice site in intron 5 of the COL7A1 gene. It is expected to disrupt RNA splicing and likely results in an absent or disrupted protein product. Algorithms developed to predict the effect of sequence changes on RNA splicing suggest that this variant may disrupt the consensus splice site, but this prediction has not been confirmed by published transcriptional studies. In summary, the currently available evidence indicates that the variant is pathogenic, but additional data are needed to prove that conclusively. Therefore, this variant has been classified as Likely Pathogenic.

Literature cited by the submitters: PubMed 16199547; PubMed 16971478.